The following is an entry in ClinVar:

ClinVar aggregate classification (germline): Uncertain significance (1 of 4 stars; one submission).

Submission:

Ambry Genetics
Classification: Uncertain significance. Last evaluated: 2022-08-24. Review status: criteria provided, single submitter. Criteria: Ambry Variant Classification Scheme 2023. Collection method: clinical testing. Allele origin: germline.
Comment: The p.T18P variant (also known as c.52A>C), located in coding exon 1 of the PRKDC gene, results from an A to C substitution at nucleotide position 52. The threonine at codon 18 is replaced by proline, an amino acid with highly similar properties. This amino acid position is conserved. In addition, this alteration is predicted to be tolerated by in silico analysis. Since supporting evidence is limited at this time, the clinical significance of this alteration remains unclear.

NM_006904.7(PRKDC):c.52A>C (p.Thr18Pro)

Genes: PRKDC (protein kinase, DNA-activated, catalytic subunit; minus strand), LOC129929030 (ATAC-STARR-seq lymphoblastoid silent region 19177; plus strand). Cytogenetic location: 8q11.21.
Variant type: single nucleotide variant.
Coding change: c.52A>C on transcript NM_006904.7 (MANE Select); coding-DNA position 52, A replaced by C.
Protein change: p.Thr18Pro; replaces threonine 18 with proline.
Molecular consequence: missense variant.
Genome position (GRCh38, 1-based): chr8:47,960,075, T>G on the plus strand (A>C on the coding strand, the complement: PRKDC is on the minus strand). VCF-style: chr8-47960075-T-G. GRCh37 (hg19) VCF-style: chr8-48872635-T-G.
Other names: c.52A>C, p.Thr18Pro (NM_001081640.2); short protein forms T18P.
Identifiers: ClinVar variation 1746682 (VCV001746682.2), dbSNP rs2551882744, ClinGen allele CA371142985.